The following is an entry in ClinVar:

ClinVar aggregate classification (germline): Uncertain significance. Review status: criteria provided, multiple submitters, no conflicts (2 of 4 stars). 7 submissions from 7 submitters: Uncertain significance (7). Last evaluated 2025-09-27.

Conditions:
Cardiovascular phenotype. Identifiers: MedGen CN230736.
Hypertrophic cardiomyopathy 4. Also called: Familial hypertrophic cardiomyopathy 4. Identifiers: MedGen C1861862, MONDO:0007268, OMIM 115197.
Left ventricular noncompaction 10 (LVNC10). Identifiers: Orphanet 154, Orphanet 54260, MedGen C3715165, MONDO:0014163, OMIM 615396.
Cardiomyopathy (CMYO). Also called: Cardiomyopathies. Identifiers: Orphanet 167848, MedGen C0878544, MONDO:0004994, HP:0001638. Inheritance: Various modes of inheritance.
Hypertrophic cardiomyopathy. Also called: HYPERTROPHIC MYOCARDIOPATHY. Identifiers: Orphanet 217569, MedGen C0007194, MeSH D002312, MONDO:0005045, HP:0001639.

Allele frequency attached by ClinVar (database versions not stated): gnomAD exomes 0.00001 and 0.00002; ExAC 0.00003; gnomAD 0.00003; TOPMed 0.00003.
gnomAD v4.1: 15 of 1,612,362 alleles (0.00093%); highest among the groups gnomAD compares: Middle Eastern, 0.016%; no homozygotes.

Submissions (7):

Labcorp Genetics (formerly Invitae), Labcorp
Classification: Uncertain significance for Hypertrophic cardiomyopathy. Last evaluated: 2025-09-27. Review status: criteria provided, single submitter. Criteria: Invitae Variant Classification Sherloc (09022015). Collection method: clinical testing. Allele origin: germline.
Comment: This sequence change replaces arginine, which is basic and polar, with glutamine, which is neutral and polar, at codon 943 of the MYBPC3 protein (p.Arg943Gln). This variant is present in population databases (rs397515986, gnomAD 0.003%). This missense change has been observed in individual(s) with clinical features of hypertrophic cardiomyopathy and/or pediatric hypertrophic cardiomyopathy (PMID: 23283745, 27532257, 32746448, 37652022). ClinVar contains an entry for this variant (Variation ID: 42659). An algorithm developed to predict the effect of missense changes on protein structure and function (PolyPhen-2) suggests that this variant is likely to be disruptive. In summary, the available evidence is currently insufficient to determine the role of this variant in disease. Therefore, it has been classified as a Variant of Uncertain Significance.

Color Diagnostics, LLC DBA Color Health
Classification: Uncertain significance for Cardiomyopathy. Last evaluated: 2024-03-22. Review status: criteria provided, single submitter. Criteria: ACMG Guidelines, 2015. Collection method: clinical testing. Allele origin: germline.
Comment: This missense variant replaces arginine with glutamine at codon 943 of the MYBPC3 protein. Computational prediction tools indicate that this variant has a deleterious impact on protein structure and function. A functional study using in-vitro analysis did not show an effect of this variant on microscale thermophoresis compared to wild-type (PMID: 34915024). This variant has been reported in two individuals affected with hypertrophic cardiomyopathy (PMID: 23283745, 33495597). It has also been reported in one individual affected with sudden unexplained death in epilepsy (PMID: 34816733). This variant has been identified in 4/247122 chromosomes in the general population by the Genome Aggregation Database (gnomAD). The available evidence is insufficient to determine the role of this variant in disease conclusively. Therefore, this variant is classified as a Variant of Uncertain Significance.

GeneDx
Classification: Uncertain significance. Last evaluated: 2024-01-08. Review status: criteria provided, single submitter. Criteria: GeneDx Variant Classification Process June 2021. Collection method: clinical testing. Allele origin: germline. Affected: yes.
Comment: Has been reported in individuals with HCM, sudden unexplained death, and/or cardiomyopathy (PMID: 27532257, 23283745, 32746448, 34816733), some of whom had variants in other genes; Not observed at significant frequency in large population cohorts (gnomAD); In silico analysis supports that this missense variant has a deleterious effect on protein structure/function; Functional in vitro studies using a C5C7 construct carrying this variant did not show any impact on cardiac mysoin binding (PMID: 34915024); This variant is associated with the following publications: (PMID: 27532257, 23283745, 32746448, 34915024, 34816733, 33495597)

Ambry Genetics
Classification: Uncertain significance for Cardiovascular phenotype. Last evaluated: 2023-03-28. Review status: criteria provided, single submitter. Criteria: Ambry General Variant Classification Scheme_2022. Collection method: clinical testing. Allele origin: germline.
Comment: The p.R943Q variant (also known as c.2828G>A), located in coding exon 27 of the MYBPC3 gene, results from a G to A substitution at nucleotide position 2828. The arginine at codon 943 is replaced by glutamine, an amino acid with highly similar properties. This variant has been detected in hypertrophic cardiomyopathy (HCM) cohorts or cohorts referred for HCM genetic testing; however, details were limited and reports may overlap (Zou Y et al. Mol Biol Rep, 2013 Jun;40:3969-76; Walsh R et al. Genet Med, 2017 Feb;19:192-203; Burstein DS et al. Pediatr Res, 2021 May;89:1470-1476; Harper AR et al. Nat Genet, 2021 Feb;53:135-142). This variant has also been detected in a sudden death case with presumed epilepsy (Chahal CAA et al. J Am Heart Assoc, 2021 Dec;10:e021170). One study suggested this variant may not significantly impact certain protein binding interactions; however, the physiological relevance of this finding is unclear (Ponnam S et al. J Biol Chem, 2022 Jan;298:101485). This amino acid position is highly conserved in available vertebrate species. In addition, the in silico prediction for this alteration is inconclusive. Since supporting evidence is limited at this time, the clinical significance of this alteration remains unclear.

Fulgent Genetics
Classification: Uncertain significance for Hypertrophic cardiomyopathy 4; Left ventricular noncompaction 10. Last evaluated: 2021-07-31. Review status: criteria provided, single submitter. Criteria: ACMG Guidelines, 2015. Collection method: clinical testing. Allele origin: unknown.

CHEO Genetics Diagnostic Laboratory, Children's Hospital of Eastern Ontario
Classification: Uncertain significance for Cardiomyopathy. Last evaluated: 2018-03-28. Review status: criteria provided, single submitter. Criteria: ACMG Guidelines, 2015. Collection method: clinical testing. Allele origin: germline.

Laboratory for Molecular Medicine, Mass General Brigham Personalized Medicine
Classification: Uncertain significance. Last evaluated: 2015-09-03. Review status: criteria provided, single submitter. Criteria: LMM Criteria. Collection method: clinical testing. Allele origin: germline. Observed: 3 variant alleles.
Comment: proposed classification - variant undergoing re-assessment, contact laboratory

Literature cited by the submitters: PubMed 23283745 (cited by 4 submitters); PubMed 27532257 (cited by Labcorp Genetics (formerly Invitae), Labcorp and Ambry Genetics); PubMed 32746448 (cited by Labcorp Genetics (formerly Invitae), Labcorp and Ambry Genetics); PubMed 37652022 (cited by Labcorp Genetics (formerly Invitae), Labcorp); PubMed 33495597 (cited by Color Diagnostics, LLC DBA Color Health and Ambry Genetics); PubMed 34816733 (cited by Color Diagnostics, LLC DBA Color Health and Ambry Genetics); PubMed 34915024 (cited by Color Diagnostics, LLC DBA Color Health and Ambry Genetics).

NM_000256.3(MYBPC3):c.2828G>A (p.Arg943Gln)

Gene: MYBPC3 (myosin binding protein C3; minus strand). Cytogenetic location: 11p11.2.
Variant type: single nucleotide variant.
Coding change: c.2828G>A on transcript NM_000256.3 (MANE Select); coding-DNA position 2828, G replaced by A.
Protein change: p.Arg943Gln; replaces arginine 943 with glutamine.
Molecular consequence: missense variant.
Genome position (GRCh38, 1-based): chr11:47,335,119, C>T on the plus strand (G>A on the coding strand, the complement: MYBPC3 is on the minus strand). VCF-style: chr11-47335119-C-T. GRCh37 (hg19) VCF-style: chr11-47356670-C-T.
Other names: short protein forms R943Q.
Identifiers: ClinVar variation 42659 (VCV000042659.17), dbSNP rs397515986, ClinGen allele CA013009.